The following is an entry in ClinVar:

NM_177438.3(DICER1):c.3741T>C (p.Ala1247=)

Gene: DICER1 (dicer 1, ribonuclease III; minus strand). Cytogenetic location: 14q32.13.
Variant type: single nucleotide variant.
Coding change: c.3741T>C on transcript NM_177438.3 (MANE Select); coding-DNA position 3741, T replaced by C.
Protein change: p.Ala1247=; no amino-acid change (alanine 1247 retained).
Molecular consequence: synonymous variant.
Genome position (GRCh38, 1-based): chr14:95,103,655, A>G on the plus strand (T>C on the coding strand, the complement: DICER1 is on the minus strand). VCF-style: chr14-95103655-A-G. GRCh37 (hg19) VCF-style: chr14-95569992-A-G.
Other names: c.3741T>C, p.Ala1247= (NM_001195573.1, NM_001271282.3, NM_001291628.2 and 1 more transcripts).
Identifiers: ClinVar variation 417047 (VCV000417047.21), dbSNP rs765677895, ClinGen allele CA7330996.

ClinVar aggregate classification (germline): Benign/Likely benign. Review status: criteria provided, multiple submitters, no conflicts (2 of 4 stars). 5 submissions from 5 submitters: Benign (1); Likely benign (3). 1 of the submissions does not count toward it. Last evaluated 2026-04-17.

Conditions:
DICER1-related tumor predisposition. Also called: DICER1-related pleuropulmonary blastoma cancer predisposition syndrome; DICER1 syndrome. Identifiers: Orphanet 284343, MedGen C3839822, MONDO:0100216.
DICER1-related disorder. Also called: DICER1-related condition.
Hereditary cancer-predisposing syndrome. Also called: Hereditary Cancer Syndrome; Neoplastic Syndromes, Hereditary; Hereditary neoplastic syndrome; Tumor predisposition. Identifiers: Orphanet 140162, MedGen C0027672, MeSH D009386, MONDO:0015356.

Allele frequency attached by ClinVar (database versions not stated): ExAC 0.00002; gnomAD exomes below 0.00001 and 0.00002; gnomAD 0.00005 and 0.00004; TOPMed 0.00003.
gnomAD v4.1: 12 of 1,614,102 alleles (0.00074%); highest among the groups gnomAD compares: African/African-American, 0.013%; no homozygotes.

Submissions (5):

Myriad Genetics, Inc.
Classification: Benign for DICER1-related tumor predisposition. Last evaluated: 2026-04-17. Review status: criteria provided, single submitter. Criteria: Myriad Autosomal Dominant, Autosomal Recessive and X-Linked Classification Criteria (2023). Collection method: clinical testing. Allele origin: unknown.
Comment: This variant is considered benign. This variant is a silent/synonymous amino acid change and it is not expected to impact splicing.

Labcorp Genetics (formerly Invitae), Labcorp
Classification: Likely benign for DICER1-related tumor predisposition. Last evaluated: 2025-07-31. Review status: criteria provided, single submitter. Criteria: Invitae Variant Classification Sherloc (09022015). Collection method: clinical testing. Allele origin: germline.

Quest Diagnostics Nichols Institute San Juan Capistrano
Classification: Likely benign. Last evaluated: 2022-10-28. Review status: criteria provided, single submitter. Criteria: Quest Diagnostics criteria. Collection method: clinical testing. Allele origin: unknown.

Ambry Genetics
Classification: Likely benign for Hereditary cancer-predisposing syndrome. Last evaluated: 2017-05-04. Review status: criteria provided, single submitter. Criteria: Ambry Variant Classification Scheme 2023. Collection method: clinical testing. Allele origin: germline.

PreventionGenetics, part of Exact Sciences
Classification: Likely benign for DICER1-related condition. Last evaluated: 2021-12-13. Review status: no assertion criteria provided. Collection method: clinical testing. Allele origin: germline. Not counted in ClinVar's aggregate classification.
Comment: This variant is classified as likely benign based on ACMG/AMP sequence variant interpretation guidelines (Richards et al. 2015 PMID: 25741868, with internal and published modifications).